The following is an entry in ClinVar:

ClinVar aggregate classification (germline): Uncertain significance (1 of 4 stars; one submission).

Conditions:
MHC class II deficiency. Also called: Bare lymphocyte syndrome 2; BLS, TYPE II. Identifiers: Orphanet 572, MedGen C5447452, MONDO:0008855.

Allele frequency attached by ClinVar (database versions not stated): gnomAD exomes below 0.00001; ExAC 0.00001.

Submission:

Labcorp Genetics (formerly Invitae), Labcorp
Classification: Uncertain significance for MHC class II deficiency. Last evaluated: 2021-08-31. Review status: criteria provided, single submitter. Criteria: Invitae Variant Classification Sherloc (09022015). Collection method: clinical testing. Allele origin: germline.
Comment: This sequence change replaces lysine with glutamic acid at codon 564 of the RFX5 protein (p.Lys564Glu). The lysine residue is weakly conserved and there is a small physicochemical difference between lysine and glutamic acid. This variant is present in population databases (rs2233856, ExAC 0.001%). This variant has not been reported in the literature in individuals affected with RFX5-related conditions. Algorithms developed to predict the effect of missense changes on protein structure and function are either unavailable or do not agree on the potential impact of this missense change (SIFT: "Tolerated"; PolyPhen-2: "Probably Damaging"; Align-GVGD: "Class C0"). Algorithms developed to predict the effect of sequence changes on RNA splicing suggest that this variant may create or strengthen a splice site. In summary, the available evidence is currently insufficient to determine the role of this variant in disease. Therefore, it has been classified as a Variant of Uncertain Significance.

NM_001025603.2(RFX5):c.1690A>G (p.Lys564Glu)

Gene: RFX5 (regulatory factor X5; minus strand). Cytogenetic location: 1q21.3.
Variant type: single nucleotide variant.
Coding change: c.1690A>G on transcript NM_001025603.2 (MANE Select); coding-DNA position 1690, A replaced by G.
Protein change: p.Lys564Glu; replaces lysine 564 with glutamic acid.
Molecular consequence: missense variant.
Genome position (GRCh38, 1-based): chr1:151,342,347, T>C on the plus strand (A>G on the coding strand, the complement: RFX5 is on the minus strand). VCF-style: chr1-151342347-T-C. GRCh37 (hg19) VCF-style: chr1-151314823-T-C.
Other names: c.1690A>G, p.Lys564Glu (NM_000449.4, NM_001379412.1, NM_001379413.1 and 5 more transcripts); c.1570A>G, p.Lys524Glu (NM_001379419.1, NM_001379420.1); short protein forms K564E, K524E.
Identifiers: ClinVar variation 860431 (VCV000860431.7), dbSNP rs2233856, ClinGen allele CA1089556.
Genomic context (GRCh38, chr1:151,342,347, plus strand): 5'-CTCCCTTTGCCAAAGGAAAAGCCTCCTTTTGGCTTCTGCTGCCCTTGATGACACTCACTT[T>C]TGAGGGGACCAAGGGAATTTTATCTTCTGCTTCTTTGGTATGCTGGGAACCGGGGCCCCT-3'
Protein context (NP_001020774.1, residues 554-574): AEDKIPLVPS[Lys564Glu]VSVIKGSRSQ